The following is an entry in ClinVar:

ClinVar aggregate classification (germline): Uncertain significance (1 of 4 stars; one submission).

Submission:

Labcorp Genetics (formerly Invitae), Labcorp
Classification: Uncertain significance. Last evaluated: 2022-08-08. Review status: criteria provided, single submitter. Criteria: Invitae Variant Classification Sherloc (09022015). Collection method: clinical testing. Allele origin: germline.
Comment: Algorithms developed to predict the effect of sequence changes on RNA splicing suggest that this variant may disrupt the consensus splice site. This variant has not been reported in the literature in individuals affected with CCDC141-related conditions. This variant is not present in population databases (gnomAD no frequency). This sequence change creates a premature translational stop signal (p.Gln611*) in the CCDC141 gene. It is expected to result in an absent or disrupted protein product. However, the current clinical and genetic evidence is not sufficient to establish whether loss-of-function variants in CCDC141 cause disease. In summary, the available evidence is currently insufficient to determine the role of this variant in disease. Therefore, it has been classified as a Variant of Uncertain Significance.

NM_173648.4(CCDC141):c.1831C>T (p.Gln611Ter)

Gene: CCDC141 (coiled-coil domain containing 141; minus strand). Cytogenetic location: 2q31.2.
Variant type: single nucleotide variant.
Coding change: c.1831C>T on transcript NM_173648.4 (MANE Select); coding-DNA position 1831, C replaced by T.
Protein change: p.Gln611Ter; replaces glutamine 611 with a stop codon.
Molecular consequence: nonsense.
Genome position (GRCh38, 1-based): chr2:178,878,032, G>A on the plus strand (C>T on the coding strand, the complement: CCDC141 is on the minus strand). VCF-style: chr2-178878032-G-A. GRCh37 (hg19) VCF-style: chr2-179742759-G-A.
Other names: c.1831C>T, p.Gln611Ter (NM_001316745.2); short protein forms Q611*.
Identifiers: ClinVar variation 2020318 (VCV002020318.4), dbSNP rs1686424124, ClinGen allele CA349469267.